The following is an entry in ClinVar:

NM_001368067.1(LDB3):c.499A>G (p.Met167Val)

Genes: LDB3 (LIM domain binding 3; plus strand), LOC110121486 (VISTA enhancer hs2143; plus strand). Cytogenetic location: 10q23.2.
Variant type: single nucleotide variant.
Coding change: c.499A>G on transcript NM_001368067.1 (MANE Plus Clinical); coding-DNA position 499, A replaced by G.
Protein change: p.Met167Val; replaces methionine 167 with valine.
Molecular consequence: missense variant. On other transcripts: intron variant (5).
Genome position (GRCh38, 1-based): chr10:86,687,223, A>G. VCF-style: chr10-86687223-A-G. GRCh37 (hg19) VCF-style: chr10-88446980-A-G.
Other names: c.499A>G, p.Met167Val (NM_001080114.2, NM_001080116.1, NM_001368066.1 and 1 more transcripts); c.844A>G, p.Met282Val (NM_001171610.2, NM_001171611.2); c.690-4673A>G (NM_001368064.1, NM_001368063.1, NM_007078.3 and 2 more transcripts); short protein forms M167V, M282V.
Identifiers: ClinVar variation 4531125 (VCV004531125.1).

ClinVar aggregate classification (germline): Uncertain significance (1 of 4 stars; one submission).

gnomAD v4.1: 1 of 1,614,186 alleles (0.000062%); highest among the groups gnomAD compares: Non-Finnish European, 0.000085%; no homozygotes.

Submission:

GeneDx
Classification: Uncertain significance. Last evaluated: 2025-05-21. Review status: criteria provided, single submitter. Criteria: GeneDx Variant Classification Process June 2021. Collection method: clinical testing. Allele origin: germline. Affected: yes.
Comment: Not observed at significant frequency in large population cohorts (gnomAD); In silico analysis suggests that this missense variant does not alter protein structure/function; Has not been previously published as pathogenic or benign to our knowledge